The following is an entry in ClinVar:

ClinVar aggregate classification (germline): Uncertain significance (1 of 4 stars; one submission).

Conditions:
Developmental and epileptic encephalopathy, 12 (DEE12). Identifiers: MedGen C3150988, MONDO:0013389, OMIM 613722.

Allele frequency attached by ClinVar (database versions not stated): TOPMed below 0.00001.

Submission:

Labcorp Genetics (formerly Invitae), Labcorp
Classification: Uncertain significance for Developmental and epileptic encephalopathy, 12. Last evaluated: 2020-04-06. Review status: criteria provided, single submitter. Criteria: Invitae Variant Classification Sherloc (09022015). Collection method: clinical testing. Allele origin: germline.
Comment: This sequence change replaces glutamic acid with lysine at codon 836 of the PLCB1 protein (p.Glu836Lys). The glutamic acid residue is moderately conserved and there is a small physicochemical difference between glutamic acid and lysine. This variant is not present in population databases (ExAC no frequency). This variant has not been reported in the literature in individuals with PLCB1-related conditions. Algorithms developed to predict the effect of missense changes on protein structure and function (SIFT, PolyPhen-2, Align-GVGD) all suggest that this variant is likely to be tolerated, but these predictions have not been confirmed by published functional studies and their clinical significance is uncertain. In summary, the available evidence is currently insufficient to determine the role of this variant in disease. Therefore, it has been classified as a Variant of Uncertain Significance.

NM_015192.4(PLCB1):c.2506G>A (p.Glu836Lys)

Gene: PLCB1 (phospholipase C beta 1; plus strand). Cytogenetic location: 20p12.3.
Variant type: single nucleotide variant.
Coding change: c.2506G>A on transcript NM_015192.4 (MANE Select); coding-DNA position 2506, G replaced by A.
Protein change: p.Glu836Lys; replaces glutamic acid 836 with lysine.
Molecular consequence: missense variant.
Genome position (GRCh38, 1-based): chr20:8,741,556, G>A. VCF-style: chr20-8741556-G-A. GRCh37 (hg19) VCF-style: chr20-8722203-G-A.
Other names: c.2506G>A, p.Glu836Lys (NM_182734.3); short protein forms E836K.
Identifiers: ClinVar variation 1060468 (VCV001060468.9), dbSNP rs1980880915, ClinGen allele CA408208416.
Genomic context (GRCh38, chr20:8,741,556, plus strand): 5'-TATGTGAACCTGATGGAACAGAGAGCTAAGCAATTGGCTGCTTTGACACTGGAAGATGAA[G>A]AAGAAGTAAAGAAAGAGGTGAGAGGGTGTTTTAATTTTACATATAGCATTAAGCATGATC-3'
Protein context (NP_056007.1, residues 826-846): QLAALTLEDE[Glu836Lys]EVKKEADPGE